The following is an entry in ClinVar:

NM_002972.4(SBF1):c.2287C>T (p.Arg763Cys)

Gene: SBF1 (SET binding factor 1; minus strand). Cytogenetic location: 22q13.33.
Variant type: single nucleotide variant.
Coding change: c.2287C>T on transcript NM_002972.4 (MANE Select); coding-DNA position 2287, C replaced by T.
Protein change: p.Arg763Cys; replaces arginine 763 with cysteine.
Molecular consequence: missense variant.
Genome position (GRCh38, 1-based): chr22:50,462,314, G>A on the plus strand (C>T on the coding strand, the complement: SBF1 is on the minus strand). VCF-style: chr22-50462314-G-A. GRCh37 (hg19) VCF-style: chr22-50900743-G-A.
Other names: c.2290C>T, p.Arg764Cys (NM_001365819.1); c.2287C>T (NM_002972.2); short protein forms R764C, R763C.
Identifiers: ClinVar variation 1502182 (VCV001502182.9), dbSNP rs372906814, ClinGen allele CA10317287.

ClinVar aggregate classification (germline): Uncertain significance. Review status: criteria provided, multiple submitters, no conflicts (2 of 4 stars). 2 submissions from 2 submitters: Uncertain significance (2). Last evaluated 2026-06-30.

Allele frequency attached by ClinVar (database versions not stated): gnomAD 0.00004 and 0.00003; TOPMed 0.00004; ESP Exome Variant Server 0.00008; gnomAD exomes below 0.00001 and 0.00001; ExAC 0.00001.
gnomAD v4.1: 13 of 1,613,886 alleles (0.00081%); highest among the groups gnomAD compares: African/African-American, 0.004%; no homozygotes.

Submissions (2):

GeneDx
Classification: Uncertain significance. Last evaluated: 2026-06-30. Review status: criteria provided, single submitter. Criteria: GeneDx Variant Classification Process June 2021. Collection method: clinical testing. Allele origin: germline.
Comment: Not observed at significant frequency in large population cohorts (gnomAD); In silico analysis supports that this missense variant has a deleterious effect on protein structure/function; Has not been previously published as pathogenic or benign to our knowledge

Labcorp Genetics (formerly Invitae), Labcorp
Classification: Uncertain significance. Last evaluated: 2022-06-22. Review status: criteria provided, single submitter. Criteria: Invitae Variant Classification Sherloc (09022015). Collection method: clinical testing. Allele origin: germline.
Comment: In summary, the available evidence is currently insufficient to determine the role of this variant in disease. Therefore, it has been classified as a Variant of Uncertain Significance. Algorithms developed to predict the effect of missense changes on protein structure and function are either unavailable or do not agree on the potential impact of this missense change (SIFT: "Deleterious"; PolyPhen-2: "Probably Damaging"; Align-GVGD: "Class C0"). This variant has not been reported in the literature in individuals affected with SBF1-related conditions. This variant is present in population databases (rs372906814, gnomAD 0.005%). This sequence change replaces arginine, which is basic and polar, with cysteine, which is neutral and slightly polar, at codon 763 of the SBF1 protein (p.Arg763Cys).